The following is an entry in ClinVar:

ClinVar aggregate classification (germline): Benign (1 of 4 stars; one submission).

Conditions:
Hereditary angioedema type 1 (HAE1). Identifiers: Orphanet 100050, Orphanet 100051, Orphanet 91378, MedGen C2717906, MONDO:0015053, OMIM 106100.

Allele frequency attached by ClinVar (database versions not stated): 1000 Genomes Project 0.00399; 1000 Genomes Project 30x 0.00422; TOPMed 0.00502; gnomAD 0.00665 and 0.00675.
gnomAD v4.1: 1,029 of 152,300 alleles (0.68%); highest among the groups gnomAD compares: South Asian, 1.1%; 6 homozygotes.

Submission:

CeMIA
Classification: Benign for Hereditary angioedema type 1. Review status: criteria provided, single submitter. Criteria: ACMG Guidelines, 2015. Collection method: clinical testing. Allele origin: germline. Affected: yes.
Comment: This variant is considered likely benign or benign based on one or more of the following criteria: allele frequency is >5% in Exome Sequencing Project, 1000 Genomes Project, or Exome Aggregation Consortium (BA1), allele frequency is greater than expected for disorder (BS1), it is observed in a healthy adult individual (BS2), it is predicted to be benign by multiple in silico algorithms (BP4), it is found in a case with an alternate molecular basis for the disease (BP5) and/or reputable source recently reports variant as benign (BP6).

Literature cited by the submitters: PubMed 31959500.

NM_000062.3(SERPING1):c.1029+1497A>G

Gene: SERPING1 (serpin family G member 1; plus strand). Cytogenetic location: 11q12.1.
Variant type: single nucleotide variant.
Coding change: c.1029+1497A>G on transcript NM_000062.3 (MANE Select); 1497 bases into the intron after coding-DNA position 1029, A replaced by G.
Molecular consequence: intron variant.
Genome position (GRCh38, 1-based): chr11:57,608,044, A>G. VCF-style: chr11-57608044-A-G. GRCh37 (hg19) VCF-style: chr11-57375517-A-G.
Other names: c.1029+1497A>G (NM_001032295.2).
Identifiers: ClinVar variation 983258 (VCV000983258.2), dbSNP rs17661117, ClinGen allele CA223055800.